The following is an entry in ClinVar:

ClinVar aggregate classification (germline): Uncertain significance (1 of 4 stars; one submission).

Conditions:
Cardiovascular phenotype. Identifiers: MedGen CN230736.

gnomAD v4.1: 3 of 1,607,376 alleles (0.00019%); highest among the groups gnomAD compares: Non-Finnish European, 0.00017%; no homozygotes.

Submission:

Ambry Genetics
Classification: Uncertain significance for Cardiovascular phenotype. Last evaluated: 2025-08-09. Review status: criteria provided, single submitter. Criteria: Ambry Variant Classification Scheme 2023. Collection method: clinical testing. Allele origin: germline.
Comment: The p.T1171N variant (also known as c.3512C>A), located in coding exon 8 of the TNXB gene, results from a C to A substitution at nucleotide position 3512. The threonine at codon 1171 is replaced by asparagine, an amino acid with similar properties. This amino acid position is conserved. In addition, this alteration is predicted to be tolerated by in silico analysis. Based on the available evidence, the clinical significance of this variant remains unclear.

NM_001365276.2(TNXB):c.3512C>A (p.Thr1171Asn)

Gene: TNXB (tenascin XB; minus strand). Cytogenetic location: 6p21.33.
Variant type: single nucleotide variant.
Coding change: c.3512C>A on transcript NM_001365276.2 (MANE Select); coding-DNA position 3512, C replaced by A.
Protein change: p.Thr1171Asn; replaces threonine 1171 with asparagine.
Molecular consequence: missense variant.
Genome position (GRCh38, 1-based): chr6:32,082,260, G>T on the plus strand (C>A on the coding strand, the complement: TNXB is on the minus strand). VCF-style: chr6-32082260-G-T. GRCh37 (hg19) VCF-style: chr6-32050037-G-T.
Other names: c.4253C>A, p.Thr1418Asn (NM_001428335.1); c.3512C>A, p.Thr1171Asn (NM_019105.8); short protein forms T1171N, T1418N.
Identifiers: ClinVar variation 4188712 (VCV004188712.1).